The following is an entry in ClinVar:

NM_001321075.3(DLG4):c.525dup (p.Gly176fs)

Gene: DLG4 (discs large MAGUK scaffold protein 4; minus strand). Cytogenetic location: 17p13.1.
Variant type: Duplication.
Coding change: c.525dup on transcript NM_001321075.3 (MANE Select); coding-DNA position 525, one base duplicated (A; older notation c.525dupA).
Protein change: p.Gly176fs; shifts the reading frame from glycine 176.
Molecular consequence: frameshift variant. On other transcripts: non-coding transcript variant (1).
Genome position (GRCh38, 1-based): chr17:7,203,310, T duplicated on the plus strand (A on the coding strand, the reverse complement: DLG4 is on the minus strand). VCF-style (leftmost placement, unchanged base first): chr17-7203309-C-CT. GRCh37 (hg19) VCF-style: chr17-7106628-C-CT.
Other names: c.516dup, p.Gly173fs (NM_001128827.4); c.645dup, p.Gly216fs (NM_001321074.1); c.345dup, p.Gly116fs (NM_001321076.3, NM_001321077.3); c.654dup, p.Gly219Argfs (NM_001365.5); c.444dup, p.Gly149fs (NM_001369566.3); short protein forms G173fs, G116fs, G176fs, G149fs, G216fs, G219fs.
Identifiers: ClinVar variation 817065 (VCV000817065.3), dbSNP rs1597471063, ClinGen allele CA915949495.

ClinVar aggregate classification (germline): Pathogenic. Review status: criteria provided, multiple submitters, no conflicts (2 of 4 stars). 3 submissions from 3 submitters: Pathogenic (3). Last evaluated 2023-02-28.

Conditions:
Intellectual developmental disorder 62. Also called: INTELLECTUAL DEVELOPMENTAL DISORDER, AUTOSOMAL DOMINANT 62; MENTAL RETARDATION, AUTOSOMAL DOMINANT 62. Identifiers: MedGen C5394083, MONDO:0032919, OMIM 618793.

Submissions (3):

Tumer Group, Copenhagen University Hospital, Rigshospitalet
Classification: Pathogenic for Intellectual developmental disorder 62. Last evaluated: 2023-02-28. Review status: criteria provided, single submitter. Criteria: ACMG Guidelines, 2015. Collection method: research. Allele origin: de novo. Affected: yes.

Institute of Human Genetics, University of Leipzig Medical Center
Classification: Pathogenic for Intellectual developmental disorder 62. Last evaluated: 2021-12-21. Review status: criteria provided, single submitter. Criteria: ACMG Guidelines, 2015. Collection method: research. Allele origin: de novo. Affected: yes.

GeneDx
Classification: Pathogenic. Last evaluated: 2018-06-04. Review status: criteria provided, single submitter. Criteria: GeneDx Variant Classification (06012015). Collection method: clinical testing. Allele origin: germline. Affected: yes.
Comment: The c.654dupA variant in the DLG4 gene has not been reported previously as a pathogenic variant nor as a benign variant, to our knowledge. The c.654dupA variant causes a frameshift starting with codon Glycine 219, changes this amino acid to an Arginine residue, and creates a premature Stop codon at position (codon #) of the new reading frame, denoted p.Gly219ArgfsX12. This variant is predicted to cause loss of normal protein function either through protein truncation or nonsense-mediated mRNA decay. The c.654dupA variant is not observed in large population cohorts (Lek et al., 2016). We interpret c.654dupA as a pathogenic variant.

Literature cited by the submitters: PubMed 33597769 (cited by Institute of Human Genetics, University of Leipzig Medical Center).